The following is an entry in ClinVar:

NM_145207.3(AFG2A):c.1588C>A (p.Leu530Ile)

Gene: AFG2A (AAA ATPase AFG2A; plus strand). Cytogenetic location: 4q28.1.
Variant type: single nucleotide variant.
Coding change: c.1588C>A on transcript NM_145207.3 (MANE Select); coding-DNA position 1588, C replaced by A.
Protein change: p.Leu530Ile; replaces leucine 530 with isoleucine.
Molecular consequence: missense variant.
Genome position (GRCh38, 1-based): chr4:122,947,362, C>A. VCF-style: chr4-122947362-C-A. GRCh37 (hg19) VCF-style: chr4-123868517-C-A.
Other names: c.1585C>A, p.Leu529Ile (NM_001317799.2, NM_001345856.2); short protein forms L529I, L530I.
Identifiers: ClinVar variation 1495700 (VCV001495700.7), dbSNP rs2125773716, ClinGen allele CA358108295.

ClinVar aggregate classification (germline): Uncertain significance (1 of 4 stars; one submission).

Conditions:
Microcephaly-intellectual disability-sensorineural hearing loss-epilepsy-abnormal muscle tone syndrome (NEDHSB). Also called: NEURODEVELOPMENTAL DISORDER WITH HEARING LOSS, SEIZURES, AND BRAIN ABNORMALITIES. Identifiers: Orphanet 457351, MedGen C4225276, MONDO:0014698, OMIM 616577.

Submission:

Labcorp Genetics (formerly Invitae), Labcorp
Classification: Uncertain significance for Microcephaly-intellectual disability-sensorineural hearing loss-epilepsy-abnormal muscle tone syndrome. Last evaluated: 2021-04-08. Review status: criteria provided, single submitter. Criteria: Invitae Variant Classification Sherloc (09022015). Collection method: clinical testing. Allele origin: germline.
Comment: This sequence change replaces leucine with isoleucine at codon 530 of the SPATA5 protein (p.Leu530Ile). The leucine residue is highly conserved and there is a small physicochemical difference between leucine and isoleucine. This variant is not present in population databases (ExAC no frequency). In summary, the available evidence is currently insufficient to determine the role of this variant in disease. Therefore, it has been classified as a Variant of Uncertain Significance. Algorithms developed to predict the effect of missense changes on protein structure and function are either unavailable or do not agree on the potential impact of this missense change (SIFT: "Tolerated"; PolyPhen-2: "Possibly Damaging"; Align-GVGD: "Class C0"). This variant has not been reported in the literature in individuals with SPATA5-related conditions.